The following is an entry in ClinVar:

ClinVar aggregate classification (germline): Conflicting classifications of pathogenicity. Review status: criteria provided, conflicting classifications (1 of 4 stars). 2 submissions from 2 submitters: Likely pathogenic (1); Uncertain significance (1). Last evaluated 2020-06-15.

Conditions:
Early-infantile DEE. Also called: Ohtahara syndrome; Early infantile epileptic encephalopathy; Early infantile epileptic encephalopathy with suppression bursts. Identifiers: Orphanet 1934, MedGen C0393706, MONDO:0800491.

Submissions (2):

Labcorp Genetics (formerly Invitae), Labcorp
Classification: Uncertain significance for Early-infantile DEE. Last evaluated: 2020-06-15. Review status: criteria provided, single submitter. Criteria: Invitae Variant Classification Sherloc (09022015). Collection method: clinical testing. Allele origin: germline.
Comment: This sequence change replaces arginine with proline at codon 581 of the KCNQ2 protein (p.Arg581Pro). The arginine residue is highly conserved and there is a moderate physicochemical difference between arginine and proline. This variant is not present in population databases (ExAC no frequency). This variant has not been reported in the literature in individuals with KCNQ2-related conditions. Algorithms developed to predict the effect of missense changes on protein structure and function are either unavailable or do not agree on the potential impact of this missense change (SIFT: "Deleterious"; PolyPhen-2: "Probably Damaging"; Align-GVGD: "Class C0"). This variant disrupts the p.Arg581 amino acid residue in KCNQ2. Other variant(s) that disrupt this residue have been determined to be pathogenic (PMID: 25262651, 29186148, 25262651). This suggests that this residue is clinically significant, and that variants that disrupt this residue are likely to be disease-causing. In summary, the available evidence is currently insufficient to determine the role of this variant in disease. Therefore, it has been classified as a Variant of Uncertain Significance.

Athena Diagnostics
Classification: Likely pathogenic. Last evaluated: 2019-06-05. Review status: criteria provided, single submitter. Criteria: Athena Diagnostics Criteria. Collection method: clinical testing. Allele origin: germline.
Comment: Not found in the total gnomAD dataset, and the data is high quality (0/279694 chr). Predicted to have a damaging effect on the protein. Located in potentially critical domain of the protein. Moderate co-segregation with disease in affected and unaffected individuals, but from a single family.

Literature cited by the submitters: PubMed 25262651 (cited by Labcorp Genetics (formerly Invitae), Labcorp); PubMed 29186148 (cited by Labcorp Genetics (formerly Invitae), Labcorp).

NM_172107.4(KCNQ2):c.1742G>C (p.Arg581Pro)

Gene: KCNQ2 (potassium voltage-gated channel subfamily Q member 2; minus strand). Cytogenetic location: 20q13.33.
Variant type: single nucleotide variant.
Coding change: c.1742G>C on transcript NM_172107.4 (MANE Select); coding-DNA position 1742, G replaced by C.
Protein change: p.Arg581Pro; replaces arginine 581 with proline.
Molecular consequence: missense variant.
Genome position (GRCh38, 1-based): chr20:63,413,471, C>G on the plus strand (G>C on the coding strand, the complement: KCNQ2 is on the minus strand). VCF-style: chr20-63413471-C-G. GRCh37 (hg19) VCF-style: chr20-62044824-C-G.
Other names: c.1658G>C, p.Arg553Pro (NM_004518.6); c.1688G>C, p.Arg563Pro (NM_172106.3); c.1649G>C, p.Arg550Pro (NM_172108.5); short protein forms R563P, R550P, R553P, R581P.
Identifiers: ClinVar variation 804957 (VCV000804957.13), dbSNP rs118192235, ClinGen allele CA409643394.